The following is an entry in ClinVar:

ClinVar aggregate classification (germline): Uncertain significance (1 of 4 stars; one submission).

Submission:

Labcorp Genetics (formerly Invitae), Labcorp
Classification: Uncertain significance. Last evaluated: 2022-01-18. Review status: criteria provided, single submitter. Criteria: Invitae Variant Classification Sherloc (09022015). Collection method: clinical testing. Allele origin: germline.
Comment: In summary, the available evidence is currently insufficient to determine the role of this variant in disease. Therefore, it has been classified as a Variant of Uncertain Significance. Algorithms developed to predict the effect of missense changes on protein structure and function (SIFT, PolyPhen-2, Align-GVGD) all suggest that this variant is likely to be disruptive. This variant has not been reported in the literature in individuals affected with CACNA2D4-related conditions. This variant is not present in population databases (gnomAD no frequency). This sequence change replaces leucine, which is neutral and non-polar, with valine, which is neutral and non-polar, at codon 189 of the CACNA2D4 protein (p.Leu189Val).

NM_172364.5(CACNA2D4):c.565C>G (p.Leu189Val)

Gene: CACNA2D4 (calcium voltage-gated channel auxiliary subunit alpha2delta 4; minus strand). Cytogenetic location: 12p13.33.
Variant type: single nucleotide variant.
Coding change: c.565C>G on transcript NM_172364.5 (MANE Select); coding-DNA position 565, C replaced by G.
Protein change: p.Leu189Val; replaces leucine 189 with valine.
Molecular consequence: missense variant.
Genome position (GRCh38, 1-based): chr12:1,907,959, G>C on the plus strand (C>G on the coding strand, the complement: CACNA2D4 is on the minus strand). VCF-style: chr12-1907959-G-C. GRCh37 (hg19) VCF-style: chr12-2017125-G-C.
Other names: short protein forms L189V.
Identifiers: ClinVar variation 2087632 (VCV002087632.4), dbSNP rs757553439, ClinGen allele CA383364388.
Genomic context (GRCh38, chr12:1,907,959, plus strand): 5'-GCTGCACGCTGCTGATGGAGGTGTTCACCGGCAGGTTGCTGAAGTGAGCATTGGACTCCA[G>C]GAGGAACTCGGCGCCCAGCTCCACGAAGTTGCCCTTCTCGTCCCTCTCGTTGATCAGGAC-3'
Protein context (NP_758952.4, residues 179-199): NFVELGAEFL[Leu189Val]ESNAHFSNLP